The following is an entry in ClinVar:

ClinVar aggregate classification (germline): Likely benign. Review status: criteria provided, multiple submitters, no conflicts (2 of 4 stars). 4 submissions from 4 submitters: Likely benign (4). Last evaluated 2026-01-27.

Conditions:
DOK7-related disorder. Also called: DOK7-related condition.
Inborn genetic diseases. Identifiers: MedGen C0950123, MeSH D030342.
Fetal akinesia deformation sequence 1 (FADS1). Also called: Pena-Shokeir syndrome type I; Fetal akinesia sequence. Identifiers: Orphanet 994, MedGen C1276035, MONDO:0100101, OMIM 208150, HP:0001989.
Congenital myasthenic syndrome 10. Also called: Myasthenia, limb-girdle, familial. Identifiers: Orphanet 590, MedGen C1850792, MONDO:0009690, OMIM 254300.

Allele frequency attached by ClinVar (database versions not stated): TOPMed 0.00034; 1000 Genomes Project 0.00040; 1000 Genomes Project 30x 0.00047; gnomAD exomes 0.00006; ExAC 0.00011; gnomAD 0.00030; ESP Exome Variant Server 0.00031.
gnomAD v4.1: 84 of 1,607,424 alleles (0.0052%); highest among the groups gnomAD compares: African/African-American, 0.11%; no homozygotes.

Submissions (4):

Labcorp Genetics (formerly Invitae), Labcorp
Classification: Likely benign for Congenital myasthenic syndrome 10; Fetal akinesia deformation sequence 1. Last evaluated: 2026-01-27. Review status: criteria provided, single submitter. Criteria: Invitae Variant Classification Sherloc (09022015). Collection method: clinical testing. Allele origin: germline.

PreventionGenetics, part of Exact Sciences
Classification: Likely benign for DOK7-related condition. Last evaluated: 2025-07-02. Review status: criteria provided, single submitter. Criteria: ACMG Guidelines, 2015. Collection method: clinical testing. Allele origin: germline.
Comment: This variant is classified as likely benign based on ACMG/AMP sequence variant interpretation guidelines (Richards et al. 2015 PMID: 25741868, with internal and published modifications).

Ambry Genetics
Classification: Likely benign for Inborn genetic diseases. Last evaluated: 2024-01-16. Review status: criteria provided, single submitter. Criteria: Ambry Variant Classification Scheme 2023. Collection method: clinical testing. Allele origin: germline.

GeneDx
Classification: Likely benign. Last evaluated: 2019-10-16. Review status: criteria provided, single submitter. Criteria: GeneDx Variant Classification Process June 2021. Collection method: clinical testing. Allele origin: germline. Affected: yes.

NM_173660.5(DOK7):c.567G>A (p.Gly189=)

Genes: DOK7 (docking protein 7; plus strand), LOC126806951 (CDK7 strongly-dependent group 2 enhancer GRCh37_chr4:3486115-3487314; plus strand). Cytogenetic location: 4p16.3.
Variant type: single nucleotide variant.
Coding change: c.567G>A on transcript NM_173660.5 (MANE Select); coding-DNA position 567, G replaced by A.
Protein change: p.Gly189=; no amino-acid change (glycine 189 retained).
Molecular consequence: synonymous variant. On other transcripts: missense variant (1), 5 prime UTR variant (1).
Genome position (GRCh38, 1-based): chr4:3,485,573, G>A. VCF-style: chr4-3485573-G-A. GRCh37 (hg19) VCF-style: chr4-3487300-G-A.
Other names: c.556G>A, p.Gly186Arg (NM_001164673.2); c.-364G>A (NM_001256896.2); c.567G>A, p.Gly189= (NM_001301071.2); c.135G>A, p.Gly45= (NM_001363811.2); c.556G>A (NM_001164673.1); short protein forms G186R.
Identifiers: ClinVar variation 704024 (VCV000704024.20), dbSNP rs141808910, ClinGen allele CA2829064.
Genomic context (GRCh38, chr4:3,485,573, plus strand): 5'-GACCTGTCTCTGTCCTTCCTCTGCAGGGGCTGGCGTCTTCTTCCTGTCCTCGGCCGAGGG[G>A]GAGCAGATCAGCTTCCTGTTCGACTGCATCGTCCGAGGCATCTCCCCCACCAAGGGCCCC-3'
Protein context (NP_775931.3, residues 179-199): AGVFFLSSAE[Gly189=]EQISFLFDCI